The following is an entry in ClinVar:

NM_000434.4(NEU1):c.1084C>T (p.Gln362Ter)

Gene: NEU1 (neuraminidase 1; minus strand). Cytogenetic location: 6p21.33.
Variant type: single nucleotide variant.
Coding change: c.1084C>T on transcript NM_000434.4 (MANE Select); coding-DNA position 1084, C replaced by T.
Protein change: p.Gln362Ter; replaces glutamine 362 with a stop codon.
Molecular consequence: nonsense.
Genome position (GRCh38, 1-based): chr6:31,859,883, G>A on the plus strand (C>T on the coding strand, the complement: NEU1 is on the minus strand). VCF-style: chr6-31859883-G-A. GRCh37 (hg19) VCF-style: chr6-31827660-G-A.
Other names: short protein forms Q362*.
Identifiers: ClinVar variation 2807373 (VCV002807373.3), dbSNP rs767725628, ClinGen allele CA3724878.

ClinVar aggregate classification (germline): Pathogenic (1 of 4 stars; one submission).

Allele frequency attached by ClinVar (database versions not stated): gnomAD exomes below 0.00001; ExAC 0.00001.
gnomAD v4.1: 2 of 1,613,078 alleles (0.00012%); highest among the groups gnomAD compares: Non-Finnish European, 0.00017%; no homozygotes.

Submission:

Labcorp Genetics (formerly Invitae), Labcorp
Classification: Pathogenic. Last evaluated: 2023-05-28. Review status: criteria provided, single submitter. Criteria: Invitae Variant Classification Sherloc (09022015). Collection method: clinical testing. Allele origin: germline.
Comment: For these reasons, this variant has been classified as Pathogenic. This variant disrupts a region of the NEU1 protein in which other variant(s) (p.Tyr370Cys) have been determined to be pathogenic (PMID: 11063730). This suggests that this is a clinically significant region of the protein, and that variants that disrupt it are likely to be disease-causing. This variant has not been reported in the literature in individuals affected with NEU1-related conditions. This variant is present in population databases (rs767725628, gnomAD 0.0009%). This sequence change creates a premature translational stop signal (p.Gln362*) in the NEU1 gene. While this is not anticipated to result in nonsense mediated decay, it is expected to disrupt the last 54 amino acid(s) of the NEU1 protein.

Literature cited by the submitters: PubMed 11063730.